The following is an entry in ClinVar:

NM_025219.3(DNAJC5):c.*728G>A

Gene: DNAJC5 (DnaJ heat shock protein family (Hsp40) member C5; plus strand). Cytogenetic location: 20q13.33.
Variant type: single nucleotide variant.
Coding change: c.*728G>A on transcript NM_025219.3 (MANE Select); 728 bases downstream of the stop codon, G replaced by A.
Molecular consequence: 3 prime UTR variant.
Genome position (GRCh38, 1-based): chr20:63,932,296, G>A. VCF-style: chr20-63932296-G-A. GRCh37 (hg19) VCF-style: chr20-62563649-G-A.
Identifiers: ClinVar variation 339372 (VCV000339372.6), dbSNP rs150670642, ClinGen allele CA10644400.

ClinVar aggregate classification (germline): Benign (1 of 4 stars; one submission).

Conditions:
Ceroid lipofuscinosis, neuronal, 4 (Kufs type) (CLN4). Also called: Neuronal ceroid lipofuscinosis 4B; Ceroid lipofuscinosis, neuronal, 4, Parry type. Identifiers: Orphanet 228343, Orphanet 79262, MedGen C1834207, MONDO:0008083, OMIM 162350.

Allele frequency attached by ClinVar (database versions not stated): TOPMed 0.00005; gnomAD 0.00008 and 0.00019; 1000 Genomes Project 30x 0.00094; 1000 Genomes Project 0.00120.

Submission:

Illumina Laboratory Services, Illumina
Classification: Benign for Ceroid lipofuscinosis, neuronal, 4 (Kufs type). Last evaluated: 2018-01-13. Review status: criteria provided, single submitter. Criteria: ICSL Variant Classification Criteria 13 December 2019. Collection method: clinical testing. Allele origin: germline.
Comment: This variant was observed in the ICSL laboratory as part of a predisposition screen in an ostensibly healthy population. It had not been previously curated by ICSL or reported in the Human Gene Mutation Database (HGMD: prior to June 1st, 2018), and was therefore a candidate for classification through an automated scoring system. Utilizing variant allele frequency, disease prevalence and penetrance estimates, and inheritance mode, an automated score was calculated to assess if this variant is too frequent to cause the disease. Based on the score and internal cut-off values, a variant classified as benign is not then subjected to further curation. The score for this variant resulted in a classification of benign for this disease.